The following is an entry in ClinVar:

NM_000625.4(NOS2):c.1755G>C (p.Leu585=)

Gene: NOS2 (nitric oxide synthase 2; minus strand). Cytogenetic location: 17q11.2.
Variant type: single nucleotide variant.
Coding change: c.1755G>C on transcript NM_000625.4 (MANE Select); coding-DNA position 1755, G replaced by C.
Protein change: p.Leu585=; no amino-acid change (leucine 585 retained).
Molecular consequence: synonymous variant.
Genome position (GRCh38, 1-based): chr17:27,770,967, C>G on the plus strand (G>C on the coding strand, the complement: NOS2 is on the minus strand). VCF-style: chr17-27770967-C-G. GRCh37 (hg19) VCF-style: chr17-26097993-C-G.
Identifiers: ClinVar variation 2647577 (VCV002647577.24), dbSNP rs28999412, ClinGen allele CA289050478.
Genomic context (GRCh38, chr17:27,770,967, plus strand): 5'-ACCCACCTCTCCATTGCCAGGGCAGTCTCCATTGCCAAACGTACTGGTCACCACCAACAG[C>G]AGCCGTTCCTCCTCCAGGCAGCTCAGCCTGTACTTATCCATGCAGACAACCTGGATGGCA-3'
Protein context (NP_000616.3, residues 575-595): YRLSCLEEER[Leu585=]LLVVTSTFGN

ClinVar aggregate classification (germline): Likely benign (1 of 4 stars; one submission).

gnomAD v4.1: 9 of 1,614,066 alleles (0.00056%); highest among the groups gnomAD compares: Non-Finnish European, 0.00076%; no homozygotes.

Submission:

CeGaT Center for Human Genetics Tuebingen
Classification: Likely benign. Last evaluated: 2022-09-01. Review status: criteria provided, single submitter. Criteria: CeGaT Center For Human Genetics Tuebingen Variant Classification Criteria Version 2. Collection method: clinical testing. Allele origin: germline. Affected: yes. Observed: 1 variant allele.
Comment: NOS2: BP4, BP7